The following is an entry in ClinVar:

NM_001199138.2(NLRC4):c.2434G>A (p.Val812Ile)

Gene: NLRC4 (NLR family CARD domain containing 4; minus strand). Cytogenetic location: 2p22.3.
Variant type: single nucleotide variant.
Coding change: c.2434G>A on transcript NM_001199138.2 (MANE Select); coding-DNA position 2434, G replaced by A.
Protein change: p.Val812Ile; replaces valine 812 with isoleucine.
Molecular consequence: missense variant.
Genome position (GRCh38, 1-based): chr2:32,238,219, C>T on the plus strand (G>A on the coding strand, the complement: NLRC4 is on the minus strand). VCF-style: chr2-32238219-C-T. GRCh37 (hg19) VCF-style: chr2-32463288-C-T.
Other names: c.2434G>A, p.Val812Ile (NM_001199139.2, NM_021209.5); c.439G>A, p.Val147Ile (NM_001302504.2); short protein forms V147I, V812I.
Identifiers: ClinVar variation 1441514 (VCV001441514.8), dbSNP rs756798541, ClinGen allele CA44739468.

ClinVar aggregate classification (germline): Uncertain significance (1 of 4 stars; one submission).

Conditions:
Familial cold autoinflammatory syndrome 4 (FCAS4). Identifiers: Orphanet 47045, Orphanet 576349, MedGen C4015276, MONDO:0014498, OMIM 616115.
Periodic fever-infantile enterocolitis-autoinflammatory syndrome. Also called: Autoinflammation with infantile enterocolitis. Identifiers: Orphanet 436166, MedGen C4015067, MONDO:0014472, OMIM 616050.

Submission:

Labcorp Genetics (formerly Invitae), Labcorp
Classification: Uncertain significance for Periodic fever-infantile enterocolitis-autoinflammatory syndrome; Familial cold autoinflammatory syndrome 4. Last evaluated: 2021-04-06. Review status: criteria provided, single submitter. Criteria: Invitae Variant Classification Sherloc (09022015). Collection method: clinical testing. Allele origin: germline.
Comment: In summary, the available evidence is currently insufficient to determine the role of this variant in disease. Therefore, it has been classified as a Variant of Uncertain Significance. Algorithms developed to predict the effect of missense changes on protein structure and function (SIFT, PolyPhen-2, Align-GVGD) all suggest that this variant is likely to be tolerated, but these predictions have not been confirmed by published functional studies and their clinical significance is uncertain. This variant has not been reported in the literature in individuals with NLRC4-related conditions. This variant is not present in population databases (ExAC no frequency). This sequence change replaces valine with isoleucine at codon 812 of the NLRC4 protein (p.Val812Ile). The valine residue is highly conserved and there is a small physicochemical difference between valine and isoleucine.